The following is an entry in ClinVar:

ClinVar aggregate classification (germline): Pathogenic/Likely pathogenic. Review status: criteria provided, multiple submitters, no conflicts (2 of 4 stars). 3 submissions from 3 submitters: Pathogenic (1); Likely pathogenic (2). Last evaluated 2023-12-02.

Conditions:
RPGR-related disorder. Also called: RPGR-related condition.
Primary ciliary dyskinesia. Also called: Ciliary dyskinesia. Identifiers: Orphanet 244, MedGen C0008780, MONDO:0016575, HP:0012265.

Submissions (3):

Labcorp Genetics (formerly Invitae), Labcorp
Classification: Pathogenic for Primary ciliary dyskinesia. Last evaluated: 2023-12-02. Review status: criteria provided, single submitter. Criteria: Invitae Variant Classification Sherloc (09022015). Collection method: clinical testing. Allele origin: germline.
Comment: This sequence change creates a premature translational stop signal (p.Asp628Argfs*2) in the RPGR gene. It is expected to result in an absent or disrupted protein product. Loss-of-function variants in RPGR are known to be pathogenic (PMID: 16055928, 16969763). This variant is not present in population databases (gnomAD no frequency). This variant has not been reported in the literature in individuals affected with RPGR-related conditions. ClinVar contains an entry for this variant (Variation ID: 1802318). For these reasons, this variant has been classified as Pathogenic.

Blueprint Genetics
Classification: Likely pathogenic for RPGR-related disorders. Last evaluated: 2021-12-22. Review status: criteria provided, single submitter. Criteria: ACMG Guidelines, 2015. Collection method: clinical testing. Allele origin: germline. Affected: yes. Observed: 1 variant allele.

PreventionGenetics, part of Exact Sciences
Classification: Likely pathogenic. Last evaluated: 2021-08-09. Review status: criteria provided, single submitter. Criteria: ACMG Guidelines, 2015. Collection method: clinical testing. Allele origin: germline.

Literature cited by the submitters: PubMed 16055928 (cited by Labcorp Genetics (formerly Invitae), Labcorp); PubMed 16969763 (cited by Labcorp Genetics (formerly Invitae), Labcorp).

NM_001034853.2(RPGR):c.1881dup (p.Asp628fs)

Gene: RPGR (retinitis pigmentosa GTPase regulator; minus strand). Cytogenetic location: Xp11.4.
Variant type: Duplication.
Coding change: c.1881dup on transcript NM_001034853.2 (MANE Select); coding-DNA position 1881, one base duplicated (A; older notation c.1881dupA).
Protein change: p.Asp628fs; shifts the reading frame from aspartic acid 628.
Molecular consequence: frameshift variant. On other transcripts: non-coding transcript variant (2), intron variant (5).
Genome position (GRCh38, 1-based): chrX:38,287,118, T duplicated on the plus strand (A on the coding strand, the reverse complement: RPGR is on the minus strand). VCF-style (leftmost placement, unchanged base first): chrX-38287117-C-CT. GRCh37 (hg19) VCF-style: chrX-38146370-C-CT.
Other names: c.1881dup, p.Asp628fs (NM_000328.3); c.1878dup, p.Asp627fs (NM_001367245.1); c.1695dup, p.Asp566fs (NM_001367246.1); c.1569+3841dup (NM_001367249.1, NM_001367250.1); c.1386+3841dup (NM_001367251.1); c.1572+3841dup (NM_001367247.1); c.1602+3841dup (NM_001367248.1); short protein forms D566fs, D627fs, D628fs.
Identifiers: ClinVar variation 1802318 (VCV001802318.6), dbSNP rs2519794898, ClinGen allele CA2580100954.